The following is an entry in ClinVar:

ClinVar aggregate classification (germline): Uncertain significance (1 of 4 stars; one submission).

Submission:

Women's Health and Genetics/Laboratory Corporation of America, LabCorp
Classification: Uncertain significance. Last evaluated: 2025-11-14. Review status: criteria provided, single submitter. Criteria: LabCorp Variant Classification Summary - May 2015. Collection method: clinical testing. Allele origin: germline.
Comment: Variant summary: ABCB11 c.2843G>C (p.Arg948Pro) results in a non-conservative amino acid change in the encoded protein sequence. Algorithms developed to predict the effect of missense changes on protein structure and function all suggest that this variant is likely to be disruptive. The variant was absent in 248970 control chromosomes. The available data on variant occurrences in the general population are insufficient to allow any conclusion about variant significance. To our knowledge, no occurrence of c.2843G>C in individuals affected with ABCB11-related conditions and no experimental evidence demonstrating its impact on protein function have been reported. No submitters have cited clinical-significance assessments for this variant to ClinVar. Based on the evidence outlined above, the variant was classified as uncertain significance.

NM_003742.4(ABCB11):c.2843G>C (p.Arg948Pro)

Genes: ABCB11 (ATP binding cassette subfamily B member 11; minus strand), LOC126806400 (CDK7 strongly-dependent group 2 enhancer GRCh37_chr2:169791870-169793069; plus strand). Cytogenetic location: 2q31.1.
Variant type: single nucleotide variant.
Coding change: c.2843G>C on transcript NM_003742.4 (MANE Select); coding-DNA position 2843, G replaced by C.
Protein change: p.Arg948Pro; replaces arginine 948 with proline.
Molecular consequence: missense variant.
Genome position (GRCh38, 1-based): chr2:168,935,397, C>G on the plus strand (G>C on the coding strand, the complement: ABCB11 is on the minus strand). VCF-style: chr2-168935397-C-G. GRCh37 (hg19) VCF-style: chr2-169791907-C-G.
Other names: short protein forms R948P.
Identifiers: ClinVar variation 4536703 (VCV004536703.1).